The following is an entry in ClinVar:

ClinVar aggregate classification (germline): Uncertain significance (1 of 4 stars; one submission).

Submission:

Labcorp Genetics (formerly Invitae), Labcorp
Classification: Uncertain significance. Last evaluated: 2022-08-20. Review status: criteria provided, single submitter. Criteria: Invitae Variant Classification Sherloc (09022015). Collection method: clinical testing. Allele origin: germline.
Comment: In summary, the available evidence is currently insufficient to determine the role of this variant in disease. Therefore, it has been classified as a Variant of Uncertain Significance. Algorithms developed to predict the effect of missense changes on protein structure and function are either unavailable or do not agree on the potential impact of this missense change (SIFT: "Not Available"; PolyPhen-2: "Probably Damaging"; Align-GVGD: "Not Available"). This variant has not been reported in the literature in individuals affected with MYO18B-related conditions. This variant is not present in population databases (gnomAD no frequency). This sequence change replaces aspartic acid, which is acidic and polar, with asparagine, which is neutral and polar, at codon 1454 of the MYO18B protein (p.Asp1454Asn).

NM_032608.7(MYO18B):c.4360G>A (p.Asp1454Asn)

Genes: MYO18B (myosin XVIIIB; plus strand), MYO18B-AS1 (MYO18B antisense RNA 1; minus strand). Cytogenetic location: 22q12.1.
Variant type: single nucleotide variant.
Coding change: c.4360G>A on transcript NM_032608.7 (MANE Select); coding-DNA position 4360, G replaced by A.
Protein change: p.Asp1454Asn; replaces aspartic acid 1454 with asparagine.
Molecular consequence: missense variant.
Genome position (GRCh38, 1-based): chr22:25,890,801, G>A. VCF-style: chr22-25890801-G-A. GRCh37 (hg19) VCF-style: chr22-26286768-G-A.
Other names: c.4363G>A, p.Asp1455Asn (NM_001318245.2); short protein forms D1454N, D1455N.
Identifiers: ClinVar variation 1717096 (VCV001717096.5), dbSNP rs2091638666, ClinGen allele CA411009118.